The following is an entry in ClinVar:

NM_000163.5(GHR):c.1544A>G (p.Asp515Gly)

Gene: GHR (growth hormone receptor; plus strand). Cytogenetic location: 5p12.
Variant type: single nucleotide variant.
Coding change: c.1544A>G on transcript NM_000163.5 (MANE Select); coding-DNA position 1544, A replaced by G.
Protein change: p.Asp515Gly; replaces aspartic acid 515 with glycine.
Molecular consequence: missense variant. On other transcripts: 3 prime UTR variant (1).
Genome position (GRCh38, 1-based): chr5:42,719,051, A>G. VCF-style: chr5-42719051-A-G. GRCh37 (hg19) VCF-style: chr5-42719153-A-G.
Other names: c.1565A>G, p.Asp522Gly (NM_001242399.2); c.1544A>G, p.Asp515Gly (NM_001242400.2, NM_001242401.4, NM_001242402.2 and 4 more transcripts); c.1478A>G, p.Asp493Gly (NM_001242460.2); c.*586A>G (NM_001242462.1); short protein forms D522G, D493G, D515G.
Identifiers: ClinVar variation 3632519 (VCV003632519.2).

ClinVar aggregate classification (germline): Uncertain significance (1 of 4 stars; one submission).

gnomAD v4.1: 2 of 1,610,160 alleles (0.00012%); highest among the groups gnomAD compares: Non-Finnish European, 0.00017%; no homozygotes.

Submission:

Labcorp Genetics (formerly Invitae), Labcorp
Classification: Uncertain significance. Last evaluated: 2025-02-04. Review status: criteria provided, single submitter. Criteria: Invitae Variant Classification Sherloc (09022015). Collection method: clinical testing. Allele origin: germline.
Comment: This sequence change replaces aspartic acid, which is acidic and polar, with glycine, which is neutral and non-polar, at codon 515 of the GHR protein (p.Asp515Gly). This variant is present in population databases (no rsID available, gnomAD 0.0009%). This variant has not been reported in the literature in individuals affected with GHR-related conditions. Invitae Evidence Modeling of protein sequence and biophysical properties (such as structural, functional, and spatial information, amino acid conservation, physicochemical variation, residue mobility, and thermodynamic stability) indicates that this missense variant is not expected to disrupt GHR protein function with a negative predictive value of 95%. In summary, the available evidence is currently insufficient to determine the role of this variant in disease. Therefore, it has been classified as a Variant of Uncertain Significance.